The following is an entry in ClinVar:

ClinVar aggregate classification (germline): Uncertain significance (1 of 4 stars; one submission).

Conditions:
Developmental and epileptic encephalopathy, 72. Also called: EPILEPTIC ENCEPHALOPATHY, EARLY INFANTILE, 72. Identifiers: MedGen C5193063, MONDO:0032710, OMIM 618374.

Submission:

Victorian Clinical Genetics Services, Murdoch Childrens Research Institute
Classification: Uncertain significance for Developmental and epileptic encephalopathy, 72. Last evaluated: 2022-02-02. Review status: criteria provided, single submitter. Criteria: ACMG Guidelines, 2015. Collection method: clinical testing. Allele origin: germline. Inheritance: Autosomal dominant inheritance. Affected: yes.
Comment: Based on the classification scheme VCGS_Germline_v1.3.4, this variant is classified as VUS-3A. Following criteria are met: 0102 - Loss of function is a known mechanism of disease in this gene and is associated with developmental and epileptic encephalopathy 72 (MIM#618374). (I) 0107 - This gene is associated with autosomal dominant disease. (I) 0200 - Variant is predicted to result in a missense amino acid change from leucine to isoleucine. (I) 0251 - This variant is heterozygous. (I) 0301 - Variant is absent from gnomAD (both v2 and v3). (SP) 0502 - Missense variant with conflicting in silico predictions and uninformative conservation. (I) 0603 - Missense variant in a region that is highly intolerant to missense variation (high constraint region in DECIPHER). (SP) 0705 - No comparable missense variants have previous evidence for pathogenicity. (I) 0807 - This variant has no previous evidence of pathogenicity. (I) 0905 - No published segregation evidence has been identified for this variant. (I) 1007 - No published functional evidence has been identified for this variant. (SP) Legend: (SP) - Supporting pathogenic, (I) - Information, (SB) - Supporting benign

NM_006160.4(NEUROD2):c.517C>A (p.Leu173Ile)

Gene: NEUROD2 (neuronal differentiation 2; minus strand). Cytogenetic location: 17q12.
Variant type: single nucleotide variant.
Coding change: c.517C>A on transcript NM_006160.4 (MANE Select); coding-DNA position 517, C replaced by A.
Protein change: p.Leu173Ile; replaces leucine 173 with isoleucine.
Molecular consequence: missense variant.
Genome position (GRCh38, 1-based): chr17:39,606,083, G>T on the plus strand (C>A on the coding strand, the complement: NEUROD2 is on the minus strand). VCF-style: chr17-39606083-G-T. GRCh37 (hg19) VCF-style: chr17-37762336-G-T.
Other names: short protein forms L173I.
Identifiers: ClinVar variation 1805206 (VCV001805206.1), dbSNP rs2545858274, ClinGen allele CA399259905.